The following is an entry in ClinVar:

ClinVar aggregate classification (germline): Uncertain significance (1 of 4 stars; one submission).

Conditions:
SCAPER-related disorder. Also called: SCAPER-related condition.

Submission:

PreventionGenetics, part of Exact Sciences
Classification: Uncertain significance for SCAPER-related condition. Last evaluated: 2025-10-14. Review status: criteria provided, single submitter. Criteria: ACMG Guidelines, 2015. Collection method: clinical testing. Allele origin: germline.
Comment: The SCAPER c.2764_2766delinsCTT variant is predicted to result in an in-frame deletion and insertion. To our knowledge, this variant has not been reported in the literature or in a large population database (gnomAD), indicating this variant is rare. At this time, the clinical significance of this variant is uncertain due to the absence of conclusive functional and genetic evidence.

NM_020843.4(SCAPER):c.2746_2748delinsCTT (p.Val916Leu)

Gene: SCAPER (S-phase cyclin A associated protein in the ER; minus strand). Cytogenetic location: 15q24.3.
Variant type: Indel.
Coding change: c.2746_2748delinsCTT on transcript NM_020843.4 (MANE Select); coding-DNA positions 2746 to 2748, GTA replaced by CTT.
Protein change: p.Val916Leu; replaces valine 916 with leucine.
Molecular consequence: missense variant. On other transcripts: non-coding transcript variant (1).
Genome position (GRCh38, 1-based): chr15:76,574,248-76,574,250, TAC replaced by AAG on the plus strand (GTA replaced by CTT on the coding strand, the reverse complement: SCAPER is on the minus strand). VCF-style: chr15-76574248-TAC-AAG. GRCh37 (hg19) VCF-style: chr15-76866589-TAC-AAG.
Other names: c.2008_2010delinsCTT, p.Val670Leu (NM_001145923.2); c.2764_2766delinsCTT, p.Val922Leu (NM_001353009.2); c.2344_2346delinsCTT, p.Val782Leu (NM_001353010.2, NM_001353012.2); c.2362_2364delinsCTT, p.Val788Leu (NM_001353011.2); short protein forms V788L, V670L, V916L, V782L, V922L.
Identifiers: ClinVar variation 4997467 (VCV004997467.1).